The following is an entry in ClinVar:

NM_181703.4(GJA5):c.533del (p.Phe178fs)

Gene: GJA5 (gap junction protein alpha 5; minus strand). Cytogenetic location: 1q21.2.
Variant type: Deletion.
Coding change: c.533del on transcript NM_181703.4 (MANE Select); coding-DNA position 533, one base deleted (T; older notation c.533delT).
Protein change: p.Phe178fs; shifts the reading frame from phenylalanine 178.
Molecular consequence: frameshift variant.
Genome position (GRCh38, 1-based): chr1:147,758,706, A deleted on the plus strand (T on the coding strand, the reverse complement: GJA5 is on the minus strand); the first of 2 consecutive A bases (chr1:147,758,706-147,758,707); deleting either gives the same sequence. VCF-style (leftmost placement, unchanged base first): chr1-147758705-GA-G. GRCh37 (hg19) VCF-style: chr1-147230813-GA-G.
Other names: c.533del, p.Phe178fs (NM_005266.7); short protein forms F178fs.
Identifiers: ClinVar variation 2933262 (VCV002933262.3), dbSNP rs2524610275, ClinGen allele CA2574049962.

ClinVar aggregate classification (germline): Uncertain significance (1 of 4 stars; one submission).

Conditions:
Atrial standstill 1 (ATRST1). Also called: ATRIAL CARDIOMYOPATHY WITH HEART BLOCK; CARDIOMYOPATHY, FAMILIAL, WITH CONDUCTION DISTURBANCE; Atrial standstill, digenic (GJA5/SCN5A). Identifiers: Orphanet 1344, MedGen C4551959, MONDO:0007171, OMIM 108770.
Atrial fibrillation, familial, 11 (ATFB11). Identifiers: MedGen C3279693, MONDO:0013544, OMIM 614049.

Submission:

Labcorp Genetics (formerly Invitae), Labcorp
Classification: Uncertain significance for Atrial fibrillation, familial, 11; Atrial standstill 1. Last evaluated: 2022-12-26. Review status: criteria provided, single submitter. Criteria: Invitae Variant Classification Sherloc (09022015). Collection method: clinical testing. Allele origin: germline.
Comment: Experimental studies and prediction algorithms are not available or were not evaluated, and the functional significance of this variant is currently unknown. This variant has not been reported in the literature in individuals affected with GJA5-related conditions. This variant is not present in population databases (gnomAD no frequency). This sequence change creates a premature translational stop signal (p.Phe178Serfs*2) in the GJA5 gene. While this is not anticipated to result in nonsense mediated decay, it is expected to disrupt the last 181 amino acid(s) of the GJA5 protein. In summary, the available evidence is currently insufficient to determine the role of this variant in disease. Therefore, it has been classified as a Variant of Uncertain Significance.